The following is an entry in ClinVar:

NM_024675.4(PALB2):c.1602T>C (p.Ser534=)

Gene: PALB2 (partner and localizer of BRCA2; minus strand). Cytogenetic location: 16p12.2.
Variant type: single nucleotide variant.
Coding change: c.1602T>C on transcript NM_024675.4 (MANE Select); coding-DNA position 1602, T replaced by C.
Protein change: p.Ser534=; no amino-acid change (serine 534 retained).
Molecular consequence: synonymous variant. On other transcripts: intron variant (3).
Genome position (GRCh38, 1-based): chr16:23,634,944, A>G on the plus strand (T>C on the coding strand, the complement: PALB2 is on the minus strand). VCF-style: chr16-23634944-A-G. GRCh37 (hg19) VCF-style: chr16-23646265-A-G.
Other names: c.1542T>C, p.Ser514= (NM_001407296.1); c.1602T>C, p.Ser534= (NM_001407297.1, NM_001407298.1, NM_001407299.1 and 3 more transcripts); c.717T>C, p.Ser239= (NM_001407304.1, NM_001407305.1, NM_001407306.1 and 5 more transcripts); c.49-5669T>C (NM_001407314.1); c.-104-4475T>C (NM_001407313.1, NM_001407312.1).
Identifiers: ClinVar variation 1776207 (VCV001776207.3), dbSNP rs2093129453, ClinGen allele CA494461250.

ClinVar aggregate classification (germline): Benign/Likely benign. Review status: criteria provided, multiple submitters, no conflicts (2 of 4 stars). 2 submissions from 2 submitters: Benign (1); Likely benign (1). Last evaluated 2025-01-14.

Conditions:
Hereditary cancer-predisposing syndrome. Also called: Neoplastic Syndromes, Hereditary; Tumor predisposition; Hereditary Cancer Syndrome; Hereditary neoplastic syndrome. Identifiers: Orphanet 140162, MedGen C0027672, MeSH D009386, MONDO:0015356.
Familial cancer of breast. Also called: BREAST CANCER, FAMILIAL; Hereditary breast cancer; hereditary breast carcinoma. Identifiers: Orphanet 227535, MedGen C0346153, MONDO:0016419, OMIM 114480. Disease mechanism: loss of function.

Allele frequency attached by ClinVar (database versions not stated): gnomAD exomes below 0.00001.
gnomAD v4.1: 1 of 1,614,166 alleles (0.000062%); highest among the groups gnomAD compares: Non-Finnish European, 0.000085%; no homozygotes.

Submissions (2):

Myriad Genetics, Inc.
Classification: Benign for Familial cancer of breast. Last evaluated: 2025-01-14. Review status: criteria provided, single submitter. Criteria: Myriad Autosomal Dominant, Autosomal Recessive and X-Linked Classification Criteria (2023). Collection method: clinical testing. Allele origin: unknown.
Comment: This variant is considered benign. This variant is a silent/synonymous amino acid change and it is not expected to impact splicing.

Ambry Genetics
Classification: Likely benign for Hereditary cancer-predisposing syndrome. Last evaluated: 2020-07-21. Review status: criteria provided, single submitter. Criteria: Ambry Variant Classification Scheme 2023. Collection method: clinical testing. Allele origin: germline.